The following is an entry in ClinVar:

ClinVar aggregate classification (germline): Likely benign (1 of 4 stars; one submission).

Conditions:
Autosomal recessive distal spinal muscular atrophy 1. Also called: HMN VI; NEURONOPATHY, SEVERE INFANTILE AXONAL, WITH RESPIRATORY FAILURE; SEVERE INFANTILE AXONAL NEUROPATHY WITH RESPIRATORY FAILURE; SPINAL MUSCULAR ATROPHY, DIAPHRAGMATIC; Spinal muscular atrophy with respiratory distress 1; NEURONOPATHY, DISTAL HEREDITARY MOTOR, HARDING TYPE VI. Identifiers: Orphanet 98920, MedGen C1858517, MONDO:0011436, OMIM 604320.

Allele frequency attached by ClinVar (database versions not stated): gnomAD 0.00013 and 0.00029; TOPMed 0.00014; 1000 Genomes Project 30x 0.00062; 1000 Genomes Project 0.00080.

Submission:

Illumina Laboratory Services, Illumina
Classification: Likely benign for Autosomal recessive distal spinal muscular atrophy 1. Last evaluated: 2018-01-13. Review status: criteria provided, single submitter. Criteria: ICSL Variant Classification Criteria 13 December 2019. Collection method: clinical testing. Allele origin: germline.
Comment: This variant was observed in the ICSL laboratory as part of a predisposition screen in an ostensibly healthy population. It had not been previously curated by ICSL or reported in the Human Gene Mutation Database (HGMD: prior to June 1st, 2018), and was therefore a candidate for classification through an automated scoring system. Utilizing variant allele frequency, disease prevalence and penetrance estimates, and inheritance mode, an automated score was calculated to assess if this variant is too frequent to cause the disease. Based on the score and internal cut-off values, a variant classified as likely benign is not then subjected to further curation. The score for this variant resulted in a classification of likely benign for this disease.

NM_002180.3(IGHMBP2):c.*860G>A

Gene: IGHMBP2 (immunoglobulin mu DNA binding protein 2; plus strand). Cytogenetic location: 11q13.3.
Variant type: single nucleotide variant.
Coding change: c.*860G>A on transcript NM_002180.3 (MANE Select); 860 bases downstream of the stop codon, G replaced by A.
Molecular consequence: 3 prime UTR variant.
Genome position (GRCh38, 1-based): chr11:68,940,591, G>A. VCF-style: chr11-68940591-G-A. GRCh37 (hg19) VCF-style: chr11-68708059-G-A.
Identifiers: ClinVar variation 881590 (VCV000881590.4), dbSNP rs149898985, ClinGen allele CA223416793.
Genomic context (GRCh38, chr11:68,940,591, plus strand): 5'-ACCTGAGCCTCAGGGTTTTGTTTCAGAGGGATATAAATTATTTAAAAATTAAATGAAAAC[G>A]TTGCACACTGCCCCAGTGTGTCTGCTGCGGGTCTAAGGGGCGCGCCCTTTGCCTGTTCTG-3'